The following is an entry in ClinVar:

NM_000878.5(IL2RB):c.310G>A (p.Val104Ile)

Gene: IL2RB (interleukin 2 receptor subunit beta; minus strand). Cytogenetic location: 22q12.3.
Variant type: single nucleotide variant.
Coding change: c.310G>A on transcript NM_000878.5 (MANE Select); coding-DNA position 310, G replaced by A.
Protein change: p.Val104Ile; replaces valine 104 with isoleucine.
Molecular consequence: missense variant.
Genome position (GRCh38, 1-based): chr22:37,139,195, C>T on the plus strand (G>A on the coding strand, the complement: IL2RB is on the minus strand). VCF-style: chr22-37139195-C-T. GRCh37 (hg19) VCF-style: chr22-37535235-C-T.
Other names: c.310G>A, p.Val104Ile (NM_001346222.1, NM_001346223.2); short protein forms V104I.
Identifiers: ClinVar variation 2185787 (VCV002185787.3), dbSNP rs892258127, ClinGen allele CA324052115.

ClinVar aggregate classification (germline): Uncertain significance (1 of 4 stars; one submission).

Allele frequency attached by ClinVar (database versions not stated): TOPMed below 0.00001; gnomAD exomes 0.00001.
gnomAD v4.1: 12 of 1,613,318 alleles (0.00074%); highest among the groups gnomAD compares: East Asian, 0.02%; no homozygotes.

Submission:

Labcorp Genetics (formerly Invitae), Labcorp
Classification: Uncertain significance. Last evaluated: 2025-09-02. Review status: criteria provided, single submitter. Criteria: Invitae Variant Classification Sherloc (09022015). Collection method: clinical testing. Allele origin: germline.
Comment: This sequence change replaces valine, which is neutral and non-polar, with isoleucine, which is neutral and non-polar, at codon 104 of the IL2RB protein (p.Val104Ile). This variant is present in population databases (no rsID available, gnomAD 0.003%). This variant has not been reported in the literature in individuals affected with IL2RB-related conditions. ClinVar contains an entry for this variant (Variation ID: 2185787). An algorithm developed to predict the effect of missense changes on protein structure and function outputs the following: PolyPhen-2: "Benign". The isoleucine amino acid residue is found in multiple mammalian species, which suggests that this missense change does not adversely affect protein function. In summary, the available evidence is currently insufficient to determine the role of this variant in disease. Therefore, it has been classified as a Variant of Uncertain Significance.